The following is an entry in ClinVar:

NC_000017.11:g.(?_61683296)_(61716073_?)del

Gene: BRIP1 (BRCA1 interacting DNA helicase 1; minus strand). Cytogenetic location: 17q23.2.
Variant type: Deletion.
Identifiers: ClinVar variation 832543 (VCV000832543.3).

ClinVar aggregate classification (germline): Pathogenic (1 of 4 stars; one submission).

Conditions:
Familial cancer of breast. Also called: BREAST CANCER, FAMILIAL; hereditary breast carcinoma; Hereditary breast cancer. Identifiers: Orphanet 227535, MedGen C0346153, MONDO:0016419, OMIM 114480. Disease mechanism: loss of function.
Fanconi anemia complementation group J. Also called: BRIP1-Related Fanconi Anemia. Identifiers: Orphanet 84, MedGen C1836860, MONDO:0012187, OMIM 609054.

Submission:

Labcorp Genetics (formerly Invitae), Labcorp
Classification: Pathogenic for Familial cancer of breast; Fanconi anemia complementation group J. Last evaluated: 2022-10-27. Review status: criteria provided, single submitter. Criteria: Invitae Variant Classification Sherloc (09022015). Collection method: clinical testing. Allele origin: germline.
Comment: This variant is a gross deletion of the genomic region encompassing exon(s) 17-20 of the BRIP1 gene, which includes the termination codon. This deletion extends beyond the assayed region for this gene and therefore may encompass additional genes. While this deletion is not anticipated to lead to nonsense mediated decay, it is expected to alter mRNA translation or result in a truncated protein product. This variant has not been reported in the literature in individuals affected with BRIP1-related conditions. This variant disrupts the TopBP1-binding region of the BRIP1 protein, which plays a critical role in RPA chromatin loading and the activation of the replication checkpoint in response to DNA damage (PMID: 20159562, 21127055). While functional studies have not been performed to directly test the effect of this variant on BRIP1 protein function, this suggests that disruption of this region of the protein is causative of disease. This variant disrupts a region of the BRIP1 protein in which other variant(s) (p.Lys998Glufs*60) have been determined to be pathogenic (PMID: 18628483, 26921362, 28423363; Invitae). This suggests that this is a clinically significant region of the protein, and that variants that disrupt it are likely to be disease-causing. For these reasons, this variant has been classified as Pathogenic.

Literature cited by the submitters: PubMed 20159562; PubMed 21127055; PubMed 18628483; PubMed 26921362; PubMed 28423363.